The following is an entry in ClinVar:

ClinVar aggregate classification (germline): Pathogenic (1 of 4 stars; one submission).

Conditions:
SPTA1-related disorder. Also called: SPTA1-related condition; SPTA1-related disorders.

Submission:

PreventionGenetics, part of Exact Sciences
Classification: Pathogenic for SPTA1-related condition. Last evaluated: 2022-11-09. Review status: criteria provided, single submitter. Criteria: ACMG Guidelines, 2015. Collection method: clinical testing. Allele origin: germline.
Comment: The SPTA1 c.2319C>A variant is predicted to result in premature protein termination (p.Cys773*). This variant was reported in an individual with hereditary anemia (Russo et al. 2018. PubMed ID: 29396846). This variant has not been reported in a large population database, indicating this variant is rare. Nonsense variants in SPTA1 are expected to be pathogenic. This variant is interpreted as pathogenic.

NM_003126.4(SPTA1):c.2319C>A (p.Cys773Ter)

Gene: SPTA1 (spectrin alpha, erythrocytic 1; minus strand). Cytogenetic location: 1q23.1.
Variant type: single nucleotide variant.
Coding change: c.2319C>A on transcript NM_003126.4 (MANE Select); coding-DNA position 2319, C replaced by A.
Protein change: p.Cys773Ter; replaces cysteine 773 with a stop codon.
Molecular consequence: nonsense.
Genome position (GRCh38, 1-based): chr1:158,662,847, G>T on the plus strand (C>A on the coding strand, the complement: SPTA1 is on the minus strand). VCF-style: chr1-158662847-G-T. GRCh37 (hg19) VCF-style: chr1-158632637-G-T.
Other names: short protein forms C773*.
Identifiers: ClinVar variation 2635281 (VCV002635281.1), dbSNP rs2525200720, ClinGen allele CA343002830.